The following is an entry in ClinVar:

NM_175914.5(HNF4A):c.*2656G>A

Gene: HNF4A (hepatocyte nuclear factor 4 alpha; plus strand). Cytogenetic location: 20q13.12.
Variant type: single nucleotide variant.
Coding change: c.*2656G>A on transcript NM_175914.5 (MANE Select); 2656 bases downstream of the stop codon, G replaced by A.
Molecular consequence: 3 prime UTR variant.
Genome position (GRCh38, 1-based): chr20:44,432,321, G>A. VCF-style: chr20-44432321-G-A. GRCh37 (hg19) VCF-style: chr20-43060961-G-A.
Other names: c.*2656G>A (NM_000457.6, NM_001030003.3, NM_001258355.2 and 3 more transcripts).
Identifiers: ClinVar variation 895536 (VCV000895536.5), dbSNP rs146992858, ClinGen allele CA315422696.
Genomic context (GRCh38, chr20:44,432,321, plus strand): 5'-ACTTTATTGTAATGTGAGAAACACAAAACAAAGTTTACTTTTTTGACTCTAAGCTGACAT[G>A]ATATTAGAAAATCTCTCGCTCTCTTTTTTTTTTTTTTTTTTTTTTTTGGCTACTTGAGTT-3'

ClinVar aggregate classification (germline): Benign/Likely benign. Review status: criteria provided, multiple submitters, no conflicts (2 of 4 stars). 3 submissions from 2 submitters: Benign (2); Likely benign (1). Last evaluated 2018-01-13.

Conditions:
Maturity-onset diabetes of the young (MODY). Also called: Maturity onset diabetes mellitus in young. Identifiers: Orphanet 552, MedGen C0342276, MONDO:0018911, HP:0004904.
Maturity-onset diabetes of the young type 1. Also called: MODY type 1; Diabetes mellitus MODY type 1; MODY HNF4A related; MILD JUVENILE DIABETES MELLITUS; HNF4A-Related Maturity-Onset Diabetes of the Young Type 1; MODY, type I. Identifiers: Orphanet 552, MedGen C1852093, MONDO:0007452, OMIM 125850. Disease mechanism: loss of function.
Familial hyperinsulinism. Also called: Congenital hyperinsulinism. Identifiers: Orphanet 276525, MedGen C3888018, MONDO:0017182. Disease mechanism: loss of function.

Allele frequency attached by ClinVar (database versions not stated): 1000 Genomes Project 0.00280; gnomAD 0.00312 and 0.00337; TOPMed 0.00373.

Submissions (3):

Illumina Laboratory Services, Illumina
Classification: Benign for Maturity-onset diabetes of the young type 1. Last evaluated: 2018-01-13. Review status: criteria provided, single submitter. Criteria: ICSL Variant Classification Criteria 13 December 2019. Collection method: clinical testing. Allele origin: germline.
Comment: This variant was observed in the ICSL laboratory as part of a predisposition screen in an ostensibly healthy population. It had not been previously curated by ICSL or reported in the Human Gene Mutation Database (HGMD: prior to June 1st, 2018), and was therefore a candidate for classification through an automated scoring system. Utilizing variant allele frequency, disease prevalence and penetrance estimates, and inheritance mode, an automated score was calculated to assess if this variant is too frequent to cause the disease. Based on the score and internal cut-off values, a variant classified as benign is not then subjected to further curation. The score for this variant resulted in a classification of benign for this disease.

Illumina Laboratory Services, Illumina
Classification: Likely benign for Familial hyperinsulinism. Last evaluated: 2018-01-13. Review status: criteria provided, single submitter. Criteria: ICSL Variant Classification Criteria 13 December 2019. Collection method: clinical testing. Allele origin: germline.
Comment: This variant was observed in the ICSL laboratory as part of a predisposition screen in an ostensibly healthy population. It had not been previously curated by ICSL or reported in the Human Gene Mutation Database (HGMD: prior to June 1st, 2018), and was therefore a candidate for classification through an automated scoring system. Utilizing variant allele frequency, disease prevalence and penetrance estimates, and inheritance mode, an automated score was calculated to assess if this variant is too frequent to cause the disease. Based on the score and internal cut-off values, a variant classified as likely benign is not then subjected to further curation. The score for this variant resulted in a classification of likely benign for this disease.

Clinical Genomics, Uppaluri K&H Personalized Medicine Clinic
Classification: Benign for Maturity-onset diabetes of the young. Review status: criteria provided, single submitter. Criteria: K & H Uppaluri Personalized Medicine Clinic Variant Classification & Assertion Criteria_Updated V.1. Collection method: research. Allele origin: unknown. Inheritance: Autosomal dominant inheritance.
Comment: Potent mutations in HNF4A are associated with poor insulin secretion in response to hyperglycemia. Associated with MODY1. Patients initially respond well to sulfonylureas but eventually become insulin dependent. However, more evidence is required to ascertain the role of this particular variant rs146992858 in MODY, yet.

Literature cited by the submitters: DOI 10.1159/000334532 (cited by Clinical Genomics, Uppaluri K&H Personalized Medicine Clinic); PubMed 18268044 (cited by Clinical Genomics, Uppaluri K&H Personalized Medicine Clinic); PubMed 17563455 (cited by Clinical Genomics, Uppaluri K&H Personalized Medicine Clinic); PubMed 32583173 (cited by Clinical Genomics, Uppaluri K&H Personalized Medicine Clinic); PubMed 35052457 (cited by Clinical Genomics, Uppaluri K&H Personalized Medicine Clinic); PubMed 35118593 (cited by Clinical Genomics, Uppaluri K&H Personalized Medicine Clinic).